The following is an entry in ClinVar:

NM_001165963.4(SCN1A):c.2368T>A (p.Tyr790Asn)

Gene: SCN1A (sodium voltage-gated channel alpha subunit 1; minus strand). Cytogenetic location: 2q24.3.
Variant type: single nucleotide variant.
Coding change: c.2368T>A on transcript NM_001165963.4 (MANE Select); coding-DNA position 2368, T replaced by A.
Protein change: p.Tyr790Asn; replaces tyrosine 790 with asparagine.
Molecular consequence: missense variant. On other transcripts: 5 prime UTR variant (1), non-coding transcript variant (1).
Genome position (GRCh38, 1-based): chr2:166,041,278, A>T on the plus strand (T>A on the coding strand, the complement: SCN1A is on the minus strand). VCF-style: chr2-166041278-A-T. GRCh37 (hg19) VCF-style: chr2-166897788-A-T.
Other names: c.2284T>A, p.Tyr762Asn (NM_001165964.3, NM_001353957.2, NM_001353958.2); c.2368T>A, p.Tyr790Asn (NM_001202435.3, NM_001353948.2); c.2335T>A, p.Tyr779Asn (NM_001353949.2, NM_001353950.2, NM_001353951.2 and 2 more transcripts); c.2332T>A, p.Tyr778Asn (NM_001353954.2, NM_001353955.2); c.2281T>A, p.Tyr761Asn (NM_001353960.2); c.-91T>A (NM_001353961.2); short protein forms Y779N, Y790N, Y778N, Y761N, Y762N.
Identifiers: ClinVar variation 1993436 (VCV001993436.4), dbSNP rs2468130287, ClinGen allele CA349063952.

ClinVar aggregate classification (germline): Likely pathogenic (1 of 4 stars; one submission).

Conditions:
Early-infantile DEE. Also called: Ohtahara syndrome; Early infantile epileptic encephalopathy; Early infantile epileptic encephalopathy with suppression bursts. Identifiers: Orphanet 1934, MedGen C0393706, MONDO:0800491.

Submission:

Labcorp Genetics (formerly Invitae), Labcorp
Classification: Likely pathogenic for Early-infantile DEE. Last evaluated: 2024-02-20. Review status: criteria provided, single submitter. Criteria: Invitae Variant Classification Sherloc (09022015). Collection method: clinical testing. Allele origin: germline.
Comment: This sequence change replaces tyrosine, which is neutral and polar, with asparagine, which is neutral and polar, at codon 790 of the SCN1A protein (p.Tyr790Asn). This variant is not present in population databases (gnomAD no frequency). This variant has not been reported in the literature in individuals affected with SCN1A-related conditions. ClinVar contains an entry for this variant (Variation ID: 1993436). Advanced modeling of protein sequence and biophysical properties (such as structural, functional, and spatial information, amino acid conservation, physicochemical variation, residue mobility, and thermodynamic stability) performed at Invitae indicates that this missense variant is expected to disrupt SCN1A protein function with a positive predictive value of 95%. This variant disrupts the p.Tyr790 amino acid residue in SCN1A. Other variant(s) that disrupt this residue have been determined to be pathogenic (PMID: 12919402, 25576396; Invitae). This suggests that this residue is clinically significant, and that variants that disrupt this residue are likely to be disease-causing. In summary, the currently available evidence indicates that the variant is pathogenic, but additional data are needed to prove that conclusively. Therefore, this variant has been classified as Likely Pathogenic.

Literature cited by the submitters: PubMed 12919402; PubMed 25576396.